The following is an entry in ClinVar:

NM_002907.4(RECQL):c.685C>T (p.His229Tyr)

Gene: RECQL (RecQ like helicase; minus strand). Cytogenetic location: 12p12.1.
Variant type: single nucleotide variant.
Coding change: c.685C>T on transcript NM_002907.4 (MANE Select); coding-DNA position 685, C replaced by T.
Protein change: p.His229Tyr; replaces histidine 229 with tyrosine.
Molecular consequence: missense variant.
Genome position (GRCh38, 1-based): chr12:21,483,391, G>A on the plus strand (C>T on the coding strand, the complement: RECQL is on the minus strand). VCF-style: chr12-21483391-G-A. GRCh37 (hg19) VCF-style: chr12-21636325-G-A.
Other names: c.685C>T, p.His229Tyr (NM_032941.3); short protein forms H229Y.
Identifiers: ClinVar variation 1309774 (VCV001309774.2), dbSNP rs2137373510, ClinGen allele CA384126647.

ClinVar aggregate classification (germline): Uncertain significance (1 of 4 stars; one submission).

Submission:

GeneDx
Classification: Uncertain significance. Last evaluated: 2019-10-25. Review status: criteria provided, single submitter. Criteria: GeneDx Variant Classification Process June 2021. Collection method: clinical testing. Allele origin: germline. Affected: yes.
Comment: Not observed in large population cohorts (Lek 2016); In silico analysis, which includes protein predictors and evolutionary conservation, supports a deleterious effect; Has not been previously published as pathogenic or benign to our knowledge